The following is an entry in ClinVar:

ClinVar aggregate classification (germline): Likely pathogenic (1 of 4 stars; one submission).

Conditions:
Retinitis pigmentosa 25 (RP25). Identifiers: Orphanet 791, MedGen C1864446, MONDO:0011272, OMIM 602772.

Submission:

Natera, Inc.
Classification: Likely pathogenic for Retinitis pigmentosa type 25. Last evaluated: 2024-10-16. Review status: criteria provided, single submitter. Criteria: Natera Variant Classification Schema (03/2026). Collection method: clinical testing. Allele origin: germline.
Comment: The c.4430T>G variant in EYS is a nonsense variant predicted to introduce a stop codon at amino acid 1477. This variant is expected to result in nonsense mediated decay, truncation, or a dysfunctional protein product. This variant is rare in the general population with a frequency below the threshold expected for the associated phenotype(s). Given the available evidence, this variant is classified as Likely Pathogenic.

NM_001142800.2(EYS):c.4430T>G (p.Leu1477Ter)

Gene: EYS (EGF-like photoreceptor maintenance factor; minus strand). Cytogenetic location: 6q12.
Variant type: single nucleotide variant.
Coding change: c.4430T>G on transcript NM_001142800.2 (MANE Select); coding-DNA position 4430, T replaced by G.
Protein change: p.Leu1477Ter; replaces leucine 1477 with a stop codon.
Molecular consequence: nonsense.
Genome position (GRCh38, 1-based): chr6:64,591,437, A>C on the plus strand (T>G on the coding strand, the complement: EYS is on the minus strand). VCF-style: chr6-64591437-A-C. GRCh37 (hg19) VCF-style: chr6-65301330-A-C.
Other names: c.4430T>G, p.Leu1477Ter (NM_001292009.2); short protein forms L1477*.
Identifiers: ClinVar variation 4814638 (VCV004814638.1).